The following is an entry in ClinVar:

NM_006019.4(TCIRG1):c.1043dup (p.Ala349fs)

Gene: TCIRG1 (T cell immune regulator 1, ATPase H+ transporting V0 subunit a3; plus strand). Cytogenetic location: 11q13.2.
Variant type: Duplication.
Coding change: c.1043dup on transcript NM_006019.4 (MANE Select); coding-DNA position 1043, one base duplicated (T; older notation c.1043dupT).
Protein change: p.Ala349fs; shifts the reading frame from alanine 349.
Molecular consequence: frameshift variant. On other transcripts: intron variant (1).
Genome position (GRCh38, 1-based): chr11:68,044,980, T duplicated. VCF-style (leftmost placement, unchanged base first): chr11-68044979-G-GT. GRCh37 (hg19) VCF-style: chr11-67812446-G-GT.
Other names: c.149dup, p.Ala51fs (NM_001351059.2); c.1043dup, p.Ala349fs (NM_001440552.1, NM_001440553.1, NM_001440554.1 and 2 more transcripts); c.1001dup, p.Ala335fs (NM_001440555.1, NM_001440556.1, NM_001440563.1); c.830dup, p.Ala278fs (NM_001440559.1, NM_001440560.1, NM_001440561.1 and 3 more transcripts); c.788dup, p.Ala264fs (NM_001440564.1); c.743dup, p.Ala249fs (NM_001440565.1); c.575dup, p.Ala193fs (NM_001440568.1); c.395dup, p.Ala133fs (NM_006053.4); and 1 more; short protein forms A133fs, A193fs, A249fs, A264fs, A278fs, A335fs, A349fs, A51fs.
Identifiers: ClinVar variation 5012222 (VCV005012222.1).

ClinVar aggregate classification (germline): Pathogenic (1 of 4 stars; one submission).

Conditions:
Autosomal recessive osteopetrosis 1. Also called: ALBERS-SCHONBERG DISEASE, AUTOSOMAL RECESSIVE; TCIRG1-Related Autosomal Recessive Osteopetrosis; TCIRG1-Related Osteopetrosis. Identifiers: Orphanet 667, MedGen C1850127, MONDO:0009815, OMIM 259700.

Submission:

Myriad Genetics, Inc.
Classification: Pathogenic for Autosomal recessive osteopetrosis 1. Last evaluated: 2023-09-27. Review status: criteria provided, single submitter. Criteria: Myriad Autosomal Dominant, Autosomal Recessive and X-Linked Classification Criteria (2023). Collection method: clinical testing. Allele origin: unknown.
Comment: NM_006019.3(TCIRG1):c.1043dupT(A349Gfs*141) is expected to be pathogenic in the context of autosomal recessive osteopetrosis type 1. This variant is predicted to lead to an abnormal or absent protein product due to the creation of a premature termination codon in TCIRG1, a gene where loss-of-function variants are known to be pathogenic. Please note: this variant was assessed in the context of healthy population screening.